The following is an entry in ClinVar:

ClinVar aggregate classification (germline): Uncertain significance (1 of 4 stars; one submission).

gnomAD v4.1: 3 of 1,613,282 alleles (0.00019%); highest among the groups gnomAD compares: Non-Finnish European, 0.00025%; no homozygotes.

Submission:

ARUP Laboratories, Molecular Genetics and Genomics, ARUP Laboratories
Classification: Uncertain significance. Last evaluated: 2025-05-15. Review status: criteria provided, single submitter. Criteria: ARUP Molecular Germline Variant Investigation Process 2024. Collection method: clinical testing. Allele origin: germline.
Comment: The PDX1 c.592C>T; p.Arg198Cys variant, to our knowledge, is not reported in the medical literature or gene specific databases. This variant is also absent from the Genome Aggregation Database (v2.1.1), indicating it is not a common polymorphism. Computational analyses predict that this variant is deleterious (REVEL: 0.859). However, given the lack of clinical and functional data, the significance of this variant is uncertain at this time.

NM_000209.4(PDX1):c.592C>T (p.Arg198Cys)

Gene: PDX1 (pancreatic and duodenal homeobox 1; plus strand). Cytogenetic location: 13q12.2.
Variant type: single nucleotide variant.
Coding change: c.592C>T on transcript NM_000209.4 (MANE Select); coding-DNA position 592, C replaced by T.
Protein change: p.Arg198Cys; replaces arginine 198 with cysteine.
Molecular consequence: missense variant.
Genome position (GRCh38, 1-based): chr13:27,924,441, C>T. VCF-style: chr13-27924441-C-T. GRCh37 (hg19) VCF-style: chr13-28498578-C-T.
Other names: short protein forms R198C.
Identifiers: ClinVar variation 4685819 (VCV004685819.1).
Genomic context (GRCh38, chr13:27,924,441, plus strand): 5'-GAGCTGGCTGTCATGTTGAACTTGACCGAGAGACACATCAAGATCTGGTTCCAAAACCGC[C>T]GCATGAAGTGGAAAAAGGAGGAGGACAAGAAGCGCGGCGGCGGGACAGCTGTCGGGGGTG-3'
Protein context (NP_000200.1, residues 188-208): RHIKIWFQNR[Arg198Cys]MKWKKEEDKK